The following is an entry in ClinVar:

NM_004991.4(MECOM):c.2582A>G (p.Gln861Arg)

Gene: MECOM (MDS1 and EVI1 complex locus; minus strand). Cytogenetic location: 3q26.2.
Variant type: single nucleotide variant.
Coding change: c.2582A>G on transcript NM_004991.4 (MANE Select); coding-DNA position 2582, A replaced by G.
Protein change: p.Gln861Arg; replaces glutamine 861 with arginine.
Molecular consequence: missense variant. On other transcripts: intron variant (8).
Genome position (GRCh38, 1-based): chr3:169,107,948, T>C on the plus strand (A>G on the coding strand, the complement: MECOM is on the minus strand). VCF-style: chr3-169107948-T-C. GRCh37 (hg19) VCF-style: chr3-168825736-T-C.
Other names: c.2018A>G, p.Gln673Arg (NM_005241.4, NM_001205194.2, NM_001366469.2 and 1 more transcripts); c.1605+4839A>G (NM_001366473.2); c.2577+4839A>G (NM_001366466.2); c.1041+4839A>G (NM_001366474.2); c.2013+4839A>G (NM_001164000.2, NM_001366471.2, NM_001366472.2); c.2016+4839A>G (NM_001366470.2, NM_001163999.2); c.2021A>G, p.Gln674Arg (NM_001366467.2, NM_001366468.2); c.2213A>G, p.Gln738Arg (NM_001105077.4); short protein forms Q674R, Q673R, Q738R, Q861R.
Identifiers: ClinVar variation 4826703 (VCV004826703.1).
Genomic context (GRCh38, chr3:169,107,948, plus strand): 5'-TACATCACTTTAGTCAAAAATATAAGTAGGAAACTTACCCAAGTTCTCTGATCAGGCAGT[T>C]GGAACTGGGAGCAAAATTGAAACAAAAACAAAAAATTACTTCTGTGTTGGTATCTTTATT-3'
Protein context (NP_004982.2, residues 851-871): SPGFLFHPQF[Gln861Arg]LPDQRTWMSA

ClinVar aggregate classification (germline): Uncertain significance (1 of 4 stars; one submission).

Conditions:
Inborn genetic diseases. Identifiers: MedGen C0950123, MeSH D030342.

Submission:

Ambry Genetics
Classification: Uncertain significance for Inborn genetic diseases. Last evaluated: 2026-02-28. Review status: criteria provided, single submitter. Criteria: Ambry Variant Classification Scheme 2023. Collection method: clinical testing. Allele origin: germline.
Comment: The p.Q861R variant (also known as c.2582A>G), located in coding exon 10 of the MECOM gene, results from an A to G substitution at nucleotide position 2582. The glutamine at codon 861 is replaced by arginine, an amino acid with highly similar properties. This amino acid position is conserved. In addition, this alteration is predicted to be tolerated by in silico analysis. Based on the available evidence, the clinical significance of this variant remains unclear.